The following is an entry in ClinVar:

ClinVar aggregate classification (germline): Uncertain significance (1 of 4 stars; one submission).

Conditions:
Cardiovascular phenotype. Identifiers: MedGen CN230736.

Submission:

Ambry Genetics
Classification: Uncertain significance for Cardiovascular phenotype. Last evaluated: 2020-05-13. Review status: criteria provided, single submitter. Criteria: Ambry Variant Classification Scheme 2023. Collection method: clinical testing. Allele origin: germline.
Comment: The p.S269N variant (also known as c.806G>A), located in coding exon 2 of the NKX2-5 gene, results from a G to A substitution at nucleotide position 806. The serine at codon 269 is replaced by asparagine, an amino acid with highly similar properties. This amino acid position is not well conserved in available vertebrate species, and asparagine is the reference amino acid in other vertebrate species. In addition, this alteration is predicted to be tolerated by in silico analysis. Since supporting evidence is limited at this time, the clinical significance of this alteration remains unclear.

NM_004387.4(NKX2-5):c.806G>A (p.Ser269Asn)

Gene: NKX2-5 (NK2 homeobox 5; minus strand). Cytogenetic location: 5q35.1.
Variant type: single nucleotide variant.
Coding change: c.806G>A on transcript NM_004387.4 (MANE Select); coding-DNA position 806, G replaced by A.
Protein change: p.Ser269Asn; replaces serine 269 with asparagine.
Molecular consequence: missense variant. On other transcripts: 3 prime UTR variant (2).
Genome position (GRCh38, 1-based): chr5:173,232,738, C>T on the plus strand (G>A on the coding strand, the complement: NKX2-5 is on the minus strand). VCF-style: chr5-173232738-C-T. GRCh37 (hg19) VCF-style: chr5-172659741-C-T.
Other names: c.*759G>A (NM_001166175.2); c.*605G>A (NM_001166176.2); short protein forms S269N.
Identifiers: ClinVar variation 1761871 (VCV001761871.2), dbSNP rs1289353345, ClinGen allele CA362161129.